The following is an entry in ClinVar:

NM_177438.3(DICER1):c.1643A>T (p.Gln548Leu)

Gene: DICER1 (dicer 1, ribonuclease III; minus strand). Cytogenetic location: 14q32.13.
Variant type: single nucleotide variant.
Coding change: c.1643A>T on transcript NM_177438.3 (MANE Select); coding-DNA position 1643, A replaced by T.
Protein change: p.Gln548Leu; replaces glutamine 548 with leucine.
Molecular consequence: missense variant.
Genome position (GRCh38, 1-based): chr14:95,116,562, T>A on the plus strand (A>T on the coding strand, the complement: DICER1 is on the minus strand). VCF-style: chr14-95116562-T-A. GRCh37 (hg19) VCF-style: chr14-95582899-T-A.
Other names: c.1643A>T, p.Gln548Leu (NM_001195573.1, NM_001271282.3, NM_001291628.2 and 1 more transcripts); short protein forms Q548L.
Identifiers: ClinVar variation 1504617 (VCV001504617.9), dbSNP rs1261880466, ClinGen allele CA390884892.

ClinVar aggregate classification (germline): Uncertain significance (1 of 4 stars; one submission).

Conditions:
DICER1-related tumor predisposition. Also called: DICER1 syndrome; DICER1-related pleuropulmonary blastoma cancer predisposition syndrome. Identifiers: Orphanet 284343, MedGen C3839822, MONDO:0100216.

Allele frequency attached by ClinVar (database versions not stated): gnomAD exomes below 0.00001; TOPMed below 0.00001.
gnomAD v4.1: 1 of 1,614,100 alleles (0.000062%); highest among the groups gnomAD compares: African/African-American, 0.0013%; no homozygotes.

Submission:

Labcorp Genetics (formerly Invitae), Labcorp
Classification: Uncertain significance for DICER1-related tumor predisposition. Last evaluated: 2024-08-29. Review status: criteria provided, single submitter. Criteria: Invitae Variant Classification Sherloc (09022015). Collection method: clinical testing. Allele origin: germline.
Comment: This sequence change replaces glutamine, which is neutral and polar, with leucine, which is neutral and non-polar, at codon 548 of the DICER1 protein (p.Gln548Leu). This variant is present in population databases (no rsID available, gnomAD 0.007%). This variant has not been reported in the literature in individuals affected with DICER1-related conditions. ClinVar contains an entry for this variant (Variation ID: 1504617). Invitae Evidence Modeling of protein sequence and biophysical properties (such as structural, functional, and spatial information, amino acid conservation, physicochemical variation, residue mobility, and thermodynamic stability) indicates that this missense variant is not expected to disrupt DICER1 protein function with a negative predictive value of 80%. In summary, the available evidence is currently insufficient to determine the role of this variant in disease. Therefore, it has been classified as a Variant of Uncertain Significance.